The following is an entry in ClinVar:

ClinVar aggregate classification (germline): Uncertain significance (1 of 4 stars; one submission).

Conditions:
Hereditary cancer-predisposing syndrome. Also called: Tumor predisposition; Hereditary Cancer Syndrome; Hereditary neoplastic syndrome; Neoplastic Syndromes, Hereditary. Identifiers: Orphanet 140162, MedGen C0027672, MeSH D009386, MONDO:0015356.

Submission:

Ambry Genetics
Classification: Uncertain significance for Hereditary cancer-predisposing syndrome. Last evaluated: 2025-11-17. Review status: criteria provided, single submitter. Criteria: Ambry Variant Classification Scheme 2023. Collection method: clinical testing. Allele origin: germline.
Comment: The p.D178H variant (also known as c.532G>C), located in coding exon 6 of the SMARCE1 gene, results from a G to C substitution at nucleotide position 532. The aspartic acid at codon 178 is replaced by histidine, an amino acid with similar properties. This amino acid position is conserved. In addition, the in silico prediction for this alteration is inconclusive. Based on the available evidence, the clinical significance of this variant remains unclear.

NM_003079.5(SMARCE1):c.532G>C (p.Asp178His)

Gene: SMARCE1 (SWI/SNF related BAF chromatin remodeling complex subunit E1; minus strand). Cytogenetic location: 17q21.2.
Variant type: single nucleotide variant.
Coding change: c.532G>C on transcript NM_003079.5 (MANE Select); coding-DNA position 532, G replaced by C.
Protein change: p.Asp178His; replaces aspartic acid 178 with histidine.
Molecular consequence: missense variant.
Genome position (GRCh38, 1-based): chr17:40,635,940, C>G on the plus strand (G>C on the coding strand, the complement: SMARCE1 is on the minus strand). VCF-style: chr17-40635940-C-G. GRCh37 (hg19) VCF-style: chr17-38792192-C-G.
Other names: short protein forms D178H.
Identifiers: ClinVar variation 4550566 (VCV004550566.1).